The following is an entry in ClinVar:

NM_004628.5(XPC):c.2086GTG[3] (p.Val697_Arg698insVal)

Gene: XPC (XPC complex subunit, DNA damage recognition and repair factor; minus strand). Cytogenetic location: 3p25.1.
Variant type: Microsatellite.
Coding change: c.2086GTG[3] on transcript NM_004628.5 (MANE Select); three copies in a row of the 3-base unit GTG starting at c.2086; the reference has two copies in a row; one copy, 3 bases duplicated.
Protein change: p.Val697_Arg698insVal.
Molecular consequence: inframe insertion. On other transcripts: non-coding transcript variant (2).
Genome position (GRCh38, 1-based): chr3:14,152,359-14,152,361, CAC duplicated on the plus strand (GTG on the coding strand, the reverse complement: XPC is on the minus strand); duplicating any 3 consecutive bases within chr3:14,152,359-14,152,364 gives the same sequence; the position shown is the placement nearest the transcript's 3' end. VCF-style (leftmost placement, unchanged base first): chr3-14152358-T-TCAC. GRCh37 (hg19) VCF-style: chr3-14193858-T-TCAC.
Other names: c.2089_2091dupGTG (NM_004628.5); c.1507GTG[3], p.Val504_Arg505insVal (NM_001354726.2); c.2080GTG[3], p.Val695_Arg696insVal (NM_001354727.2); c.2068GTG[3], p.Val691_Arg692insVal (NM_001354729.2); c.1840GTG[3], p.Val615_Arg616insVal (NM_001354730.2).
Identifiers: ClinVar variation 553916 (VCV000553916.5), dbSNP rs1423935768, ClinGen allele CA541299429.

ClinVar aggregate classification (germline): Uncertain significance. Review status: criteria provided, multiple submitters, no conflicts (2 of 4 stars). 3 submissions from 3 submitters: Uncertain significance (2). 1 of the submissions does not count toward it. Last evaluated 2026-05-15.

Conditions:
Xeroderma pigmentosum, group C (XPC). Also called: XPC-Related Xeroderma Pigmentosum; XERODERMA PIGMENTOSUM III; XP, GROUP C; Xeroderma pigmentosum, complementation group C. Identifiers: Orphanet 910, MedGen C2752147, MONDO:0010211, OMIM 278720.

Submissions (3):

Myriad Genetics, Inc.
Classification: Uncertain significance for Xeroderma pigmentosum, group C. Last evaluated: 2026-05-15. Review status: criteria provided, single submitter. Criteria: Myriad Autosomal Dominant, Autosomal Recessive and X-Linked Classification Criteria (2023). Collection method: clinical testing. Allele origin: unknown.
Comment: NM_004628.4(XPC):c.2089_2091dupGTG(V697dup) is an in-frame deletion classified as a variant of uncertain significance in the context of xeroderma pigmentosum group C. V697dup has been observed in cases with relevant disease (PMID: 8298653, 20054342). Relevant functional assessments of this variant are available in the literature (PMID: 18809580). V697dup has been observed in referenced population frequency databases. In summary, there is insufficient evidence to classify NM_004628.4(XPC):c.2089_2091dupGTG(V697dup) as pathogenic or benign. Please note: this variant was assessed in the context of healthy population screening.

Women's Health and Genetics/Laboratory Corporation of America, LabCorp
Classification: Uncertain significance. Last evaluated: 2024-03-06. Review status: criteria provided, single submitter. Criteria: LabCorp Variant Classification Summary - May 2015. Collection method: clinical testing. Allele origin: germline.
Comment: Variant summary: XPC c.2089_2091dupGTG (p.Val697dup) results in an in-frame duplication that is predicted to duplicate one amino acids into the encoded protein. The variant allele was found at a frequency of 4e-06 in 247934 control chromosomes. c.2089_2091dupGTG has been reported in the literature in individuals affected with Xeroderma Pigmentosum (Li_1993, Soufir_2009). These data do not allow any conclusion about variant significance. At least one publication reports experimental evidence evaluating an impact on protein function suggestive of an effect on function (Bernardes_2008). However, additional data is needed to make a conclusion about variant significance. The following publications have been ascertained in the context of this evaluation (PMID: 18809580, 8298653, 20054342). ClinVar contains an entry for this variant (Variation ID: 553916). Based on the evidence outlined above, the variant was classified as VUS-possibly pathogenic.

Counsyl
Classification: Uncertain significance for Xeroderma pigmentosum, group C. Last evaluated: 2017-09-20. Review status: no assertion criteria provided. Collection method: clinical testing. Allele origin: unknown. Not counted in ClinVar's aggregate classification.

Literature cited by the submitters: PubMed 18809580 (cited by 3 submitters); PubMed 20054342 (cited by 3 submitters); PubMed 8298653 (cited by 3 submitters).